The following is an entry in ClinVar:

ClinVar aggregate classification (germline): Uncertain significance (1 of 4 stars; one submission).

Conditions:
Combined immunodeficiency due to STK4 deficiency (IMD110). Also called: STK4 DEFICIENCY; MST1 DEFICIENCY; T-cell immunodeficiency, recurrent infections, and autoimmunity with or without cardiac malformations. Identifiers: Orphanet 314689, MedGen C3553943, MONDO:0013934, OMIM 614868.

Submission:

Labcorp Genetics (formerly Invitae), Labcorp
Classification: Uncertain significance for Combined immunodeficiency due to STK4 deficiency. Last evaluated: 2022-10-19. Review status: criteria provided, single submitter. Criteria: Invitae Variant Classification Sherloc (09022015). Collection method: clinical testing. Allele origin: germline.
Comment: This sequence change replaces alanine, which is neutral and non-polar, with valine, which is neutral and non-polar, at codon 476 of the STK4 protein (p.Ala476Val). This variant is not present in population databases (gnomAD no frequency). This variant has not been reported in the literature in individuals affected with STK4-related conditions. Advanced modeling of protein sequence and biophysical properties (such as structural, functional, and spatial information, amino acid conservation, physicochemical variation, residue mobility, and thermodynamic stability) performed at Invitae indicates that this missense variant is not expected to disrupt STK4 protein function. In summary, the available evidence is currently insufficient to determine the role of this variant in disease. Therefore, it has been classified as a Variant of Uncertain Significance.

NM_006282.5(STK4):c.1427C>T (p.Ala476Val)

Gene: STK4 (serine/threonine kinase 4; plus strand). Cytogenetic location: 20q13.12.
Variant type: single nucleotide variant.
Coding change: c.1427C>T on transcript NM_006282.5 (MANE Select); coding-DNA position 1427, C replaced by T.
Protein change: p.Ala476Val; replaces alanine 476 with valine.
Molecular consequence: missense variant. On other transcripts: 3 prime UTR variant (1).
Genome position (GRCh38, 1-based): chr20:45,075,139, C>T. VCF-style: chr20-45075139-C-T. GRCh37 (hg19) VCF-style: chr20-43703780-C-T.
Other names: c.*133C>T (NM_001352385.2); short protein forms A476V.
Identifiers: ClinVar variation 1721868 (VCV001721868.6), dbSNP rs2515399391, ClinGen allele CA409129700.